The following is an entry in ClinVar:

NM_000726.5(CACNB4):c.699+239C>T

Gene: CACNB4 (calcium voltage-gated channel auxiliary subunit beta 4; minus strand). Cytogenetic location: 2q23.3.
Variant type: single nucleotide variant.
Coding change: c.699+239C>T on transcript NM_000726.5 (MANE Select); 239 bases into the intron after coding-DNA position 699, C replaced by T.
Molecular consequence: intron variant.
Genome position (GRCh38, 1-based): chr2:151,870,292, G>A on the plus strand (C>T on the coding strand, the complement: CACNB4 is on the minus strand). VCF-style: chr2-151870292-G-A. GRCh37 (hg19) VCF-style: chr2-152726806-G-A.
Other names: c.699+239C>T (NM_001145798.2); c.625+239C>T (NM_001330113.2); c.645+239C>T (NM_001005746.4); c.577+239C>T (NM_001330115.2); c.597+239C>T (NM_001005747.4); c.538+239C>T (NM_001330116.2); c.45+239C>T (NM_001330114.2); c.558+239C>T (NM_001320722.3, NM_001330118.1); and 1 more.
Identifiers: ClinVar variation 2498834 (VCV002498834.28), dbSNP rs112786741, ClinGen allele CA1912520.
Genomic context (GRCh38, chr2:151,870,292, plus strand): 5'-ATAAAGTCCTTTTCTTTGCATTTAATGTACAGCAAATCTTTGACCAGATCTTCCCATTGT[G>A]AATATTTTGAGGGAGGTATTTCTAAACAATGTAATACATAAAAGATGAGAAGTGTGCAAG-3'

ClinVar aggregate classification (germline): Benign (1 of 4 stars; one submission).

Allele frequency attached by ClinVar (database versions not stated): gnomAD exomes 0.00030; 1000 Genomes Project 30x 0.00203; ExAC 0.00048; gnomAD 0.00178; TOPMed 0.00204; 1000 Genomes Project 0.00220.
gnomAD v4.1: 442 of 703,108 alleles (0.063%); highest among the groups gnomAD compares: African/African-American, 0.67%; 1 homozygote.

Submission:

CeGaT Center for Human Genetics Tuebingen
Classification: Benign. Last evaluated: 2023-02-01. Review status: criteria provided, single submitter. Criteria: CeGaT Center For Human Genetics Tuebingen Variant Classification Criteria Version 2. Collection method: clinical testing. Allele origin: germline. Affected: yes. Observed: 1 variant allele.
Comment: CACNB4: BS1, BS2